The following is an entry in ClinVar:

ClinVar aggregate classification (germline): Uncertain significance (1 of 4 stars; one submission).

Conditions:
Dilated cardiomyopathy 1G (CMD1G). Identifiers: Orphanet 154, MedGen C1858763, MONDO:0011400, OMIM 604145.
Autosomal recessive limb-girdle muscular dystrophy type 2J (LGMDR10). Also called: Limb-girdle muscular dystrophy, type 2J; MUSCULAR DYSTROPHY, LIMB-GIRDLE, AUTOSOMAL RECESSIVE 10. Identifiers: Orphanet 140922, MedGen C1837342, MONDO:0012127, OMIM 608807.

Submission:

Labcorp Genetics (formerly Invitae), Labcorp
Classification: Uncertain significance for Dilated cardiomyopathy 1G; Autosomal recessive limb-girdle muscular dystrophy type 2J. Last evaluated: 2021-12-27. Review status: criteria provided, single submitter. Criteria: Invitae Variant Classification Sherloc (09022015). Collection method: clinical testing. Allele origin: germline.
Comment: This variant is located in the M band of TTN (PMID: 25589632). Variants in this region may be relevant for neuromuscular disorders, but have not been definitively shown to cause cardiomyopathy (PMID: 23975875). In summary, the available evidence is currently insufficient to determine the role of this variant in disease. Therefore, it has been classified as a Variant of Uncertain Significance. Experimental studies and prediction algorithms are not available or were not evaluated, and the functional significance of this variant is currently unknown. This variant has not been reported in the literature in individuals affected with TTN-related conditions. This variant is not present in population databases (gnomAD no frequency). This sequence change replaces leucine, which is neutral and non-polar, with proline, which is neutral and non-polar, at codon 34982 of the TTN protein (p.Leu34982Pro).

Literature cited by the submitters: PubMed 25589632; PubMed 23975875.

NM_001267550.2(TTN):c.104945T>C (p.Leu34982Pro)

Genes: TTN (titin; minus strand), TTN-AS1 (TTN antisense RNA 1; plus strand). Cytogenetic location: 2q31.2.
Variant type: single nucleotide variant.
Coding change: c.104945T>C on transcript NM_001267550.2 (MANE Select); coding-DNA position 104945, T replaced by C.
Protein change: p.Leu34982Pro; replaces leucine 34982 with proline.
Molecular consequence: missense variant.
Genome position (GRCh38, 1-based): chr2:178,531,670, A>G on the plus strand (T>C on the coding strand, the complement: TTN is on the minus strand). VCF-style: chr2-178531670-A-G. GRCh37 (hg19) VCF-style: chr2-179396397-A-G.
Other names: c.100022T>C, p.Leu33341Pro (NM_001256850.1); c.77750T>C, p.Leu25917Pro (NM_003319.4); c.97241T>C, p.Leu32414Pro (NM_133378.4); c.78125T>C, p.Leu26042Pro (NM_133432.3); c.78326T>C, p.Leu26109Pro (NM_133437.4); short protein forms L26109P, L26042P, L34982P, L32414P, L33341P, L25917P.
Identifiers: ClinVar variation 2061715 (VCV002061715.4), dbSNP rs2468418737, ClinGen allele CA349409826.